The following is an entry in ClinVar:

NM_138694.4(PKHD1):c.8190del (p.Glu2731fs)

Gene: PKHD1 (PKHD1 ciliary IPT domain containing fibrocystin/polyductin; minus strand). Cytogenetic location: 6p12.2.
Variant type: Deletion.
Coding change: c.8190del on transcript NM_138694.4 (MANE Select); coding-DNA position 8190, one base deleted (T; older notation c.8190delT).
Protein change: p.Glu2731fs; shifts the reading frame from glutamic acid 2731.
Molecular consequence: frameshift variant.
Genome position (GRCh38, 1-based): chr6:51,830,973, A deleted on the plus strand (T on the coding strand, the reverse complement: PKHD1 is on the minus strand). VCF-style (leftmost placement, unchanged base first): chr6-51830972-CA-C. GRCh37 (hg19) VCF-style: chr6-51695770-CA-C.
Other names: c.8190del, p.Glu2731fs (NM_170724.3); c.8190del (NM_138694.3); short protein forms E2731fs.
Identifiers: ClinVar variation 283651 (VCV000283651.14), dbSNP rs886042676, ClinGen allele CA10604549.

ClinVar aggregate classification (germline): Pathogenic/Likely pathogenic. Review status: criteria provided, multiple submitters, no conflicts (2 of 4 stars). 5 submissions from 5 submitters: Pathogenic (3); Likely pathogenic (2). Last evaluated 2025-06-24.

Conditions:
Polycystic kidney disease 4 (PKD4). Also called: POLYCYSTIC KIDNEY DISEASE 4 WITH OR WITHOUT POLYCYSTIC LIVER DISEASE; Autosomal Recessive Polycystic Kidney Disease – PKHD1; POLYCYSTIC KIDNEY AND HEPATIC DISEASE 1; POLYCYSTIC KIDNEY DISEASE, INFANTILE, TYPE I; PKD3. Identifiers: MedGen C4540575, MONDO:0033004, OMIM 263200.
Autosomal recessive polycystic kidney disease (ARPKD). Also called: AR polycystic kidney disease. Identifiers: Orphanet 731, Orphanet 8378, MedGen C0085548, MeSH D017044, MONDO:0009889.

Allele frequency attached by ClinVar (database versions not stated): gnomAD exomes below 0.00001.

Submissions (5):

GeneDx
Classification: Pathogenic. Last evaluated: 2025-06-24. Review status: criteria provided, single submitter. Criteria: GeneDx Variant Classification Process June 2021. Collection method: clinical testing. Allele origin: germline. Affected: yes.
Comment: Frameshift variant predicted to result in protein truncation or nonsense mediated decay in a gene for which loss of function is a known mechanism of disease; Not observed at significant frequency in large population cohorts (gnomAD); This variant is associated with the following publications: (PMID: 19940839, 38259611)

Natera, Inc.
Classification: Likely pathogenic for Autosomal recessive polycystic kidney disease. Last evaluated: 2024-12-22. Review status: criteria provided, single submitter. Criteria: Natera Variant Classification Schema (03/2026). Collection method: clinical testing. Allele origin: germline.
Comment: The c.8190delT variant in PKHD1 is a frameshift variant predicted to shift the reading frame beginning at codon 2731 and leads to a stop codon 4 codons downstream. This variant is expected to result in nonsense mediated decay, truncation, or a dysfunctional protein product. This variant is rare in the general population with a frequency below the threshold expected for the associated phenotype(s). Given the available evidence, this variant is classified as Likely Pathogenic.

Baylor Genetics
Classification: Likely pathogenic for Polycystic kidney disease 4. Last evaluated: 2023-09-02. Review status: criteria provided, single submitter. Criteria: ACMG Guidelines, 2015. Collection method: clinical testing. Allele origin: unknown.

Labcorp Genetics (formerly Invitae), Labcorp
Classification: Pathogenic for Autosomal recessive polycystic kidney disease. Last evaluated: 2021-09-29. Review status: criteria provided, single submitter. Criteria: Invitae Variant Classification Sherloc (09022015). Collection method: clinical testing. Allele origin: germline.
Comment: For these reasons, this variant has been classified as Pathogenic. ClinVar contains an entry for this variant (Variation ID: 283651). This variant has not been reported in the literature in individuals affected with PKHD1-related conditions. This variant is not present in population databases (ExAC no frequency). This sequence change creates a premature translational stop signal (p.Glu2731Asnfs*4) in the PKHD1 gene. It is expected to result in an absent or disrupted protein product. Loss-of-function variants in PKHD1 are known to be pathogenic (PMID: 19940839).

Eurofins Ntd Llc (ga)
Classification: Pathogenic. Last evaluated: 2015-10-28. Review status: criteria provided, single submitter. Criteria: EGL Classification Definitions 2015. Collection method: clinical testing. Allele origin: germline. Observed: 1 variant allele, 1 heterozygote.

Literature cited by the submitters: PubMed 19940839 (cited by Labcorp Genetics (formerly Invitae), Labcorp).